The following is an entry in ClinVar:

ClinVar aggregate classification (germline): Uncertain significance (1 of 4 stars; one submission).

Conditions:
Symmetrical dyschromatosis of extremities (DSH). Also called: DYSCHROMATOSIS SYMMETRICA HEREDITARIA 1; RETICULATE ACROPIGMENTATION OF DOHI; SYMMETRIC DYSCHROMATOSIS OF THE EXTREMITIES; Dyschromatosis symmetrica hereditaria. Identifiers: Orphanet 41, MedGen C0406775, MONDO:0007483, OMIM 127400.
Aicardi-Goutieres syndrome 6 (AGS6). Identifiers: Orphanet 51, MedGen C3539013, MONDO:0014007, OMIM 615010.

Submission:

Labcorp Genetics (formerly Invitae), Labcorp
Classification: Uncertain significance for Aicardi-Goutieres syndrome 6; Symmetrical dyschromatosis of extremities. Last evaluated: 2024-01-11. Review status: criteria provided, single submitter. Criteria: Invitae Variant Classification Sherloc (09022015). Collection method: clinical testing. Allele origin: germline.
Comment: This sequence change replaces leucine, which is neutral and non-polar, with proline, which is neutral and non-polar, at codon 316 of the ADAR protein (p.Leu316Pro). This variant is not present in population databases (gnomAD no frequency). This variant has not been reported in the literature in individuals affected with ADAR-related conditions. Advanced modeling of protein sequence and biophysical properties (such as structural, functional, and spatial information, amino acid conservation, physicochemical variation, residue mobility, and thermodynamic stability) performed at Invitae indicates that this missense variant is not expected to disrupt ADAR protein function with a negative predictive value of 80%. In summary, the available evidence is currently insufficient to determine the role of this variant in disease. Therefore, it has been classified as a Variant of Uncertain Significance.

NM_001111.5(ADAR):c.947T>C (p.Leu316Pro)

Gene: ADAR (adenosine deaminase RNA specific; minus strand). Cytogenetic location: 1q21.3.
Variant type: single nucleotide variant.
Coding change: c.947T>C on transcript NM_001111.5 (MANE Select); coding-DNA position 947, T replaced by C.
Protein change: p.Leu316Pro; replaces leucine 316 with proline.
Molecular consequence: missense variant.
Genome position (GRCh38, 1-based): chr1:154,601,695, A>G on the plus strand (T>C on the coding strand, the complement: ADAR is on the minus strand). VCF-style: chr1-154601695-A-G. GRCh37 (hg19) VCF-style: chr1-154574171-A-G.
Other names: c.62T>C, p.Leu21Pro (NM_001365048.1, NM_001365049.1, NM_001025107.3 and 3 more transcripts); c.947T>C, p.Leu316Pro (NM_015840.4, NM_015841.4); c.974T>C, p.Leu325Pro (NM_001365045.1); short protein forms L21P, L316P, L325P.
Identifiers: ClinVar variation 2922131 (VCV002922131.3), dbSNP rs2526656327, ClinGen allele CA342599186.